The following is an entry in ClinVar:

ClinVar aggregate classification (germline): Uncertain significance (1 of 4 stars; one submission).

gnomAD v4.1: 4 of 1,613,528 alleles (0.00025%); highest among the groups gnomAD compares: East Asian, 0.0022%; no homozygotes.

Submission:

Labcorp Genetics (formerly Invitae), Labcorp
Classification: Uncertain significance. Last evaluated: 2024-08-02. Review status: criteria provided, single submitter. Criteria: Invitae Variant Classification Sherloc (09022015). Collection method: clinical testing. Allele origin: germline.
Comment: This sequence change affects codon 169 of the ERMARD mRNA. It is a 'silent' change, meaning that it does not change the encoded amino acid sequence of the ERMARD protein. This variant also falls at the last nucleotide of exon 5, which is part of the consensus splice site for this exon. This variant is present in population databases (no rsID available, gnomAD 0.0009%). This variant has not been reported in the literature in individuals affected with ERMARD-related conditions. Variants that disrupt the consensus splice site are a relatively common cause of aberrant splicing (PMID: 17576681, 9536098). Algorithms developed to predict the effect of sequence changes on RNA splicing suggest that this variant may disrupt the consensus splice site. In summary, the available evidence is currently insufficient to determine the role of this variant in disease. Therefore, it has been classified as a Variant of Uncertain Significance.

Literature cited by the submitters: PubMed 17576681; PubMed 9536098.

NM_018341.3(ERMARD):c.507G>A (p.Val169=)

Gene: ERMARD (ER membrane associated RNA degradation; plus strand). Cytogenetic location: 6q27.
Variant type: single nucleotide variant.
Coding change: c.507G>A on transcript NM_018341.3 (MANE Select); coding-DNA position 507, G replaced by A.
Protein change: p.Val169=; no amino-acid change (valine 169 retained).
Molecular consequence: synonymous variant.
Genome position (GRCh38, 1-based): chr6:169,756,808, G>A. VCF-style: chr6-169756808-G-A. GRCh37 (hg19) VCF-style: chr6-170156904-G-A.
Other names: c.507G>A, p.Val169= (NM_001278531.2, NM_001278533.2); c.129G>A, p.Val43= (NM_001278532.2, NM_001410957.1).
Identifiers: ClinVar variation 3676492 (VCV003676492.2).
Genomic context (GRCh38, chr6:169,756,808, plus strand): 5'-CTTTCTTTTAAGAGATCTGCTTTCATCTGAGGAGCTTGCTCAAGTCTTCAGTCAGTCTGT[G>A]GTAAGCTTGTTCATCTAAACTCATGGAGTATATTAGTCCGTTTTCATGCTGCTGTTAAAG-3'
Protein context (NP_060811.1, residues 159-179): EELAQVFSQS[Val169=]MNVLKVFVGS